The following is an entry in ClinVar:

ClinVar aggregate classification (germline): Uncertain significance (1 of 4 stars; one submission).

gnomAD v4.1: 4 of 1,613,290 alleles (0.00025%); highest among the groups gnomAD compares: Non-Finnish European, 0.00034%; no homozygotes.

Submission:

Labcorp Genetics (formerly Invitae), Labcorp
Classification: Uncertain significance. Last evaluated: 2025-05-10. Review status: criteria provided, single submitter. Criteria: Invitae Variant Classification Sherloc (09022015). Collection method: clinical testing. Allele origin: germline.
Comment: This sequence change replaces valine, which is neutral and non-polar, with phenylalanine, which is neutral and non-polar, at codon 509 of the KMT2A protein (p.Val509Phe). This variant is not present in population databases (gnomAD no frequency). This variant has not been reported in the literature in individuals affected with KMT2A-related conditions. ClinVar contains an entry for this variant (Variation ID: 3700810). Invitae Evidence Modeling of protein sequence and biophysical properties (such as structural, functional, and spatial information, amino acid conservation, physicochemical variation, residue mobility, and thermodynamic stability) indicates that this missense variant is not expected to disrupt KMT2A protein function with a negative predictive value of 95%. In summary, the available evidence is currently insufficient to determine the role of this variant in disease. Therefore, it has been classified as a Variant of Uncertain Significance.

NM_001197104.2(KMT2A):c.1525G>T (p.Val509Phe)

Gene: KMT2A (lysine methyltransferase 2A; plus strand). Cytogenetic location: 11q23.3.
Variant type: single nucleotide variant.
Coding change: c.1525G>T on transcript NM_001197104.2 (MANE Select); coding-DNA position 1525, G replaced by T.
Protein change: p.Val509Phe; replaces valine 509 with phenylalanine.
Molecular consequence: missense variant.
Genome position (GRCh38, 1-based): chr11:118,472,684, G>T. VCF-style: chr11-118472684-G-T. GRCh37 (hg19) VCF-style: chr11-118343399-G-T.
Other names: c.1624G>T, p.Val542Phe (NM_001412597.1); c.1525G>T, p.Val509Phe (NM_005933.4); short protein forms V542F, V509F.
Identifiers: ClinVar variation 3700810 (VCV003700810.2).
Genomic context (GRCh38, chr11:118,472,684, plus strand): 5'-GACTCTCAGGCTTCTGAGGAGATTCAGGTACTTCCTGAGGAGCGGAGCGATACCCCTGAA[G>T]TTCATCCTCCACTGCCCATTTCCCAGTCCCCAGAAAATGAGAGTAATGATAGGAGAAGCA-3'
Protein context (NP_001184033.1, residues 499-519): LPEERSDTPE[Val509Phe]HPPLPISQSP